The following is an entry in ClinVar:

NM_144997.7(FLCN):c.1159G>A (p.Ala387Thr)

Gene: FLCN (folliculin; minus strand). Cytogenetic location: 17p11.2.
Variant type: single nucleotide variant.
Coding change: c.1159G>A on transcript NM_144997.7 (MANE Select); coding-DNA position 1159, G replaced by A.
Protein change: p.Ala387Thr; replaces alanine 387 with threonine.
Molecular consequence: missense variant.
Genome position (GRCh38, 1-based): chr17:17,217,086, C>T on the plus strand (G>A on the coding strand, the complement: FLCN is on the minus strand). VCF-style: chr17-17217086-C-T. GRCh37 (hg19) VCF-style: chr17-17120400-C-T.
Other names: c.1213G>A, p.Ala405Thr (NM_001353229.2); c.1159G>A, p.Ala387Thr (NM_001353230.2, NM_001353231.2); short protein forms A387T, A405T.
Identifiers: ClinVar variation 4871395 (VCV004871395.1).

ClinVar aggregate classification (germline): Uncertain significance (1 of 4 stars; one submission).

Conditions:
Hereditary cancer-predisposing syndrome. Also called: Neoplastic Syndromes, Hereditary; Hereditary Cancer Syndrome; Hereditary neoplastic syndrome; Tumor predisposition. Identifiers: Orphanet 140162, MedGen C0027672, MeSH D009386, MONDO:0015356.

Submission:

Ambry Genetics
Classification: Uncertain significance for Hereditary cancer-predisposing syndrome. Last evaluated: 2026-05-23. Review status: criteria provided, single submitter. Criteria: Ambry Variant Classification Scheme 2023. Collection method: clinical testing. Allele origin: germline.
Comment: The p.A387T variant (also known as c.1159G>A), located in coding exon 7 of the FLCN gene, results from a G to A substitution at nucleotide position 1159. The alanine at codon 387 is replaced by threonine, an amino acid with similar properties. This amino acid position is conserved. In addition, this alteration is predicted to be deleterious by in silico analysis. Based on the available evidence, the clinical significance of this variant remains unclear.